The following is an entry in ClinVar:

ClinVar aggregate classification (germline): Uncertain significance (1 of 4 stars; one submission).

Conditions:
Hereditary cancer-predisposing syndrome. Also called: Neoplastic Syndromes, Hereditary; Tumor predisposition; Hereditary Cancer Syndrome; Hereditary neoplastic syndrome. Identifiers: Orphanet 140162, MedGen C0027672, MeSH D009386, MONDO:0015356.

Submission:

Ambry Genetics
Classification: Uncertain significance for Hereditary cancer-predisposing syndrome. Last evaluated: 2026-03-23. Review status: criteria provided, single submitter. Criteria: Ambry Variant Classification Scheme 2023. Collection method: clinical testing. Allele origin: germline.
Comment: The c.1304_1305delTGinsGT variant (also known as p.M435S), located in coding exon 6 of the ALK gene, results from an in-frame deletion of TG and insertion of GT at nucleotide positions 1304 to 1305. This results in the substitution of the methionine residue for a serine residue at codon 435, an amino acid with dissimilar properties. This amino acid position is highly conserved in available vertebrate species. In addition, this variant is predicted to be neutral by in silico analysis (Choi Y et al. PLoS ONE. 2012; 7(10):e46688). Based on the available evidence, the clinical significance of this variant remains unclear.

NM_004304.5(ALK):c.1304_1305delinsGT (p.Met435Ser)

Gene: ALK (ALK receptor tyrosine kinase; minus strand). Cytogenetic location: 2p23.2.
Variant type: Indel.
Coding change: c.1304_1305delinsGT on transcript NM_004304.5 (MANE Select); coding-DNA positions 1304 to 1305, TG replaced by GT.
Protein change: p.Met435Ser; replaces methionine 435 with serine.
Molecular consequence: missense variant.
Genome position (GRCh38, 1-based): chr2:29,328,459-29,328,460, CA replaced by AC on the plus strand (TG replaced by GT on the coding strand, the reverse complement: ALK is on the minus strand). VCF-style: chr2-29328459-CA-AC. GRCh37 (hg19) VCF-style: chr2-29551325-CA-AC.
Other names: short protein forms M435S.
Identifiers: ClinVar variation 4869929 (VCV004869929.1).